The following is an entry in ClinVar:

ClinVar aggregate classification (germline): Conflicting classifications of pathogenicity. Review status: criteria provided, conflicting classifications (1 of 4 stars). 4 submissions from 4 submitters: Uncertain significance (3); Likely benign (1). Last evaluated 2024-11-05.

Conditions:
Hereditary cancer-predisposing syndrome. Also called: Neoplastic Syndromes, Hereditary; Tumor predisposition; Hereditary Cancer Syndrome; Hereditary neoplastic syndrome. Identifiers: Orphanet 140162, MedGen C0027672, MeSH D009386, MONDO:0015356.
Hereditary breast ovarian cancer syndrome. Also called: Hereditary breast and ovarian cancer; Hereditary breast and/or ovarian cancer syndrome; BRCA1- and BRCA2-Associated Hereditary Breast and Ovarian Cancer; Hereditary breast and ovarian cancer syndrome (HBOC); Hereditary breast and ovarian cancer syndrome; Breast and ovarian cancer. Identifiers: Orphanet 145, MedGen C0677776, MeSH D061325, MONDO:0003582. Disease mechanism: loss of function.

Allele frequency attached by ClinVar (database versions not stated): gnomAD below 0.00001 and 0.00001.

Submissions (4):

Quest Diagnostics Nichols Institute San Juan Capistrano
Classification: Uncertain significance. Last evaluated: 2024-11-05. Review status: criteria provided, single submitter. Criteria: Quest Diagnostics criteria. Collection method: clinical testing. Allele origin: unknown.
Comment: The BRCA2 c.3383C>T (p.Thr1128Ile) variant has been reported in the published literature in to be located in a region of the BRCA2 gene that is tolerant to missense sequence changes (PMID: 31911673 (2020)). To the best of our knowledge, this variant has not been reported in individuals with BRCA2-related disorders. The frequency of this variant in the general population, 0.0000066 (1/152168 chromosomes (Genome Aggregation Database)), is uninformative in the assessment of its pathogenicity. Analysis of this variant using bioinformatics tools for the prediction of the effect of amino acid changes on protein structure and function yielded predictions that this variant is damaging. Based on the available information, we are unable to determine the clinical significance of this variant.

Labcorp Genetics (formerly Invitae), Labcorp
Classification: Uncertain significance for Hereditary breast ovarian cancer syndrome. Last evaluated: 2024-06-30. Review status: criteria provided, single submitter. Criteria: Invitae Variant Classification Sherloc (09022015). Collection method: clinical testing. Allele origin: germline.
Comment: This sequence change replaces threonine, which is neutral and polar, with isoleucine, which is neutral and non-polar, at codon 1128 of the BRCA2 protein (p.Thr1128Ile). This variant is not present in population databases (gnomAD no frequency). This variant has not been reported in the literature in individuals affected with BRCA2-related conditions. ClinVar contains an entry for this variant (Variation ID: 186459). Advanced modeling of protein sequence and biophysical properties (such as structural, functional, and spatial information, amino acid conservation, physicochemical variation, residue mobility, and thermodynamic stability) performed at Invitae indicates that this missense variant is not expected to disrupt BRCA2 protein function with a negative predictive value of 95%. Experimental studies are conflicting or provide insufficient evidence to determine the effect of this variant on BRCA2 function (PMID: 34593815). In summary, the available evidence is currently insufficient to determine the role of this variant in disease. Therefore, it has been classified as a Variant of Uncertain Significance.

University of Washington Department of Laboratory Medicine, University of Washington
Classification: Likely benign for Hereditary cancer-predisposing syndrome. Last evaluated: 2023-03-23. Review status: criteria provided, single submitter. Criteria: Dines et al. (Genet Med. 2020). Collection method: curation. Allele origin: germline.
Comment: Missense variant in a coldspot region where missense variants are very unlikely to be pathogenic (PMID:31911673).

BRCA2 exon 11 coldspot. Reclassification based on statistical prior probability.

Ambry Genetics
Classification: Uncertain significance for Hereditary cancer-predisposing syndrome. Last evaluated: 2019-12-27. Review status: criteria provided, single submitter. Criteria: Ambry Variant Classification Scheme 2023. Collection method: clinical testing. Allele origin: germline.
Comment: The p.T1128I variant (also known as c.3383C>T), located in coding exon 10 of the BRCA2 gene, results from a C to T substitution at nucleotide position 3383. The threonine at codon 1128 is replaced by isoleucine, an amino acid with similar properties. This amino acid position is highly conserved in available vertebrate species. In addition, the in silico prediction for this alteration is inconclusive. Since supporting evidence is limited at this time, the clinical significance of this alteration remains unclear.

Literature cited by the submitters: PubMed 31911673 (cited by Quest Diagnostics Nichols Institute San Juan Capistrano); PubMed 34593815 (cited by Labcorp Genetics (formerly Invitae), Labcorp).

NM_000059.4(BRCA2):c.3383C>T (p.Thr1128Ile)

Gene: BRCA2 (BRCA2 DNA repair associated; plus strand). Cytogenetic location: 13q13.1.
Variant type: single nucleotide variant.
Coding change: c.3383C>T on transcript NM_000059.4 (MANE Select); coding-DNA position 3383, C replaced by T.
Protein change: p.Thr1128Ile; replaces threonine 1128 with isoleucine.
Molecular consequence: missense variant.
Genome position (GRCh38, 1-based): chr13:32,337,738, C>T. VCF-style: chr13-32337738-C-T. GRCh37 (hg19) VCF-style: chr13-32911875-C-T.
Other names: short protein forms T1128I.
Identifiers: ClinVar variation 186459 (VCV000186459.10), dbSNP rs786202970, ClinGen allele CA017902.